The following continues an entry in ClinVar:

NM_002485.5(NBN):c.283G>A (p.Asp95Asn)

Gene: NBN. ClinVar aggregate classification (germline): Conflicting classifications of pathogenicity. Uncertain significance (2); Benign (6); Likely benign (9).

Submissions 21 to 24 of 24:

Department of Pathology and Laboratory Medicine, Sinai Health System
Classification: Benign. Review status: no assertion criteria provided. Collection method: clinical testing. Allele origin: unknown. Affected: yes. Study: The Canadian Open Genetics Repository (COGR). Not counted in ClinVar's aggregate classification.
Comment: The NBN p.Asp95Asn variant was identified in 15 of 7572 proband chromosomes (frequency: 0.002) from individuals with breast, larynx cancer and acute lymphoblastic leukemia and was present in 14 of 8336 control chromosomes (frequency: 0.002) from healthy individuals (Desjardins 2009, Ziolkowska 2007, Varon 2011, Ramus 2015). The variant was identified in dbSNP (rs61753720) as â€šÃ„Ãºwith uncertain significance, other alleleâ€šÃ„Ã¹ also identified in ClinVar (interpreted as "likely benign" by GeneDx and 6 others, "benign" by Invitae and 3 others, "uncertain significance" by 2 others) and LOVD 3.0 (observed 4x). The variant was identified in control databases in 477 of 277,154 chromosomes (1 homozygous) at a frequency of 0.002 increasing the likelihood this could be a low frequency benign variant (Genome Aggregation Database Feb 27, 2017). The variant was observed in the following populations: African in 18 of 24,028 chromosomes (freq: 0.0007), Other in 7 of 6466 chromosomes (freq: 0.001), Latino in 22 of 34,414 chromosomes (freq: 0.0006), European in 365 of 126,674 chromosomes (freq: 0.003), Ashkenazi Jewish in 40 of 10,150 chromosomes (freq: 0.004), Finnish in 13 of 25,784 chromosomes (freq: 0.0005), and South Asian in 12 of 30,778 chromosomes (freq: 0.0004). The variant was not observed in the East Asian population. In the control population, the variant exceeds the maximum expected allele frequency (0.0001) for a pathogenic NBN variant leading to the likelihood of a benign classification. The p.Asp95 residue is conserved in mammals and computational analyses (PolyPhen-2, SIFT, AlignGVGD, BLOSUM, MutationTaster) provide inconsistent predictions regarding the impact to the protein; this information is not very predictive of pathogenicity. The variant occurs outside of the splicing consensus sequence and in silico or computational prediction software programs (SpliceSiteFinder, MaxEntScan, NNSPLICE, GeneSplicer) do not predict a difference in splicing. In summary, based on the above information this variant meets our laboratory's criteria to be classified as benign.

Diagnostic Laboratory, Department of Genetics, University Medical Center Groningen
Classification: Likely benign. Review status: no assertion criteria provided. Collection method: clinical testing. Allele origin: germline. Affected: yes. Study: VKGL Data-share Consensus. Not counted in ClinVar's aggregate classification.

Genome Diagnostics Laboratory, Amsterdam University Medical Center
Classification: Likely benign. Review status: no assertion criteria provided. Collection method: clinical testing. Allele origin: germline. Affected: yes. Study: VKGL Data-share Consensus. Not counted in ClinVar's aggregate classification.

Genome Diagnostics Laboratory, University Medical Center Utrecht
Classification: Benign. Review status: no assertion criteria provided. Collection method: clinical testing. Allele origin: germline. Affected: yes. Study: VKGL Data-share Consensus. Not counted in ClinVar's aggregate classification.

Literature cited by the submitters: PubMed 16702373 (cited by 4 submitters); PubMed 16810201 (cited by 4 submitters); PubMed 29371908 (cited by Mayo Clinic Laboratories, Mayo Clinic and Quest Diagnostics Nichols Institute San Juan Capistrano); PubMed 30777372 (cited by Mayo Clinic Laboratories, Mayo Clinic); PubMed 32522261 (cited by Mayo Clinic Laboratories, Mayo Clinic and Quest Diagnostics Nichols Institute San Juan Capistrano); PubMed 32854451 (cited by Mayo Clinic Laboratories, Mayo Clinic and Quest Diagnostics Nichols Institute San Juan Capistrano); PubMed 35245693 (cited by Mayo Clinic Laboratories, Mayo Clinic and Quest Diagnostics Nichols Institute San Juan Capistrano); PubMed 35264596 (cited by Mayo Clinic Laboratories, Mayo Clinic and Quest Diagnostics Nichols Institute San Juan Capistrano); PubMed 11325820 (cited by 3 submitters); PubMed 17894553 (cited by Quest Diagnostics Nichols Institute San Juan Capistrano); PubMed 26092435 (cited by Quest Diagnostics Nichols Institute San Juan Capistrano and Women's Health and Genetics/Laboratory Corporation of America, LabCorp); PubMed 24728327 (cited by 3 submitters); PubMed 24113799 (cited by 3 submitters); PubMed 19523210 (cited by 3 submitters); PubMed 33046446 (cited by Quest Diagnostics Nichols Institute San Juan Capistrano); PubMed 30995915 (cited by Quest Diagnostics Nichols Institute San Juan Capistrano); PubMed 31278556 (cited by Quest Diagnostics Nichols Institute San Juan Capistrano); PubMed 23555315 (cited by Women's Health and Genetics/Laboratory Corporation of America, LabCorp); PubMed 26315354 (cited by Women's Health and Genetics/Laboratory Corporation of America, LabCorp); PubMed 14559852 (cited by Women's Health and Genetics/Laboratory Corporation of America, LabCorp); PubMed 12679336 (cited by Women's Health and Genetics/Laboratory Corporation of America, LabCorp).